The following is an entry in ClinVar:

NM_176787.5(PIGN):c.562C>T (p.His188Tyr)

Gene: PIGN (phosphatidylinositol glycan anchor biosynthesis class N; minus strand). Cytogenetic location: 18q21.33.
Variant type: single nucleotide variant.
Coding change: c.562C>T on transcript NM_176787.5 (MANE Select); coding-DNA position 562, C replaced by T.
Protein change: p.His188Tyr; replaces histidine 188 with tyrosine.
Molecular consequence: missense variant.
Genome position (GRCh38, 1-based): chr18:62,148,326, G>A on the plus strand (C>T on the coding strand, the complement: PIGN is on the minus strand). VCF-style: chr18-62148326-G-A. GRCh37 (hg19) VCF-style: chr18-59815559-G-A.
Other names: c.562C>T, p.His188Tyr (NM_012327.6); short protein forms H188Y.
Identifiers: ClinVar variation 422474 (VCV000422474.17), dbSNP rs773629540, ClinGen allele CA8982544.

ClinVar aggregate classification (germline): Conflicting classifications of pathogenicity. Review status: criteria provided, conflicting classifications (1 of 4 stars). 4 submissions from 4 submitters: Likely pathogenic (1); Uncertain significance (3). Last evaluated 2025-02-17.

Conditions:
Multiple congenital anomalies-hypotonia-seizures syndrome 1 (MCAHS1). Also called: GLYCOSYLPHOSPHATIDYLINOSITOL BIOSYNTHESIS DEFECT 3; PIGN-CDG; Congenital disorder of glycosylation due to PIGN deficiency. Identifiers: Orphanet 280633, MedGen C3279775, MONDO:0013563, OMIM 614080.

Allele frequency attached by ClinVar (database versions not stated): TOPMed 0.00001; ExAC below 0.00001; gnomAD 0.00001.
gnomAD v4.1: 6 of 1,513,210 alleles (0.0004%); highest among the groups gnomAD compares: African/African-American, 0.0014%; no homozygotes.

Submissions (4):

Women's Health and Genetics/Laboratory Corporation of America, LabCorp
Classification: Uncertain significance. Last evaluated: 2025-02-17. Review status: criteria provided, single submitter. Criteria: LabCorp Variant Classification Summary - May 2015. Collection method: clinical testing. Allele origin: germline.
Comment: Variant summary: PIGN c.562C>T (p.His188Tyr) results in a conservative amino acid change located in the Alkaline phosphatase-like domain (IPR017850) of the encoded protein sequence. Four of five in-silico tools predict a benign effect of the variant on protein function. The frequency data for this variant in gnomAD is considered unreliable, as metrics indicate poor data quality at this position. c.562C>T has been reported in the literature in at least one compound heterozygous individual affected with clinical features of Multiple Congenital Anomalies-Hypotonia Syndrome 1 (e.g. Bayat_2022). These report(s) do not provide unequivocal conclusions about association of the variant with Multiple Congenital Anomalies-Hypotonia Syndrome 1. To our knowledge, no experimental evidence demonstrating an impact on protein function has been reported. The following publication has been ascertained in the context of this evaluation (PMID: 35179230). ClinVar contains an entry for this variant (Variation ID: 422474). Based on the evidence outlined above, the variant was classified as uncertain significance.

GeneDx
Classification: Likely pathogenic. Last evaluated: 2022-12-20. Review status: criteria provided, single submitter. Criteria: GeneDx Variant Classification Process June 2021. Collection method: clinical testing. Allele origin: germline. Affected: yes.
Comment: In silico analysis supports that this missense variant does not alter protein structure/function; Not observed at significant frequency in large population cohorts (gnomAD); This variant is associated with the following publications: (PMID: 35179230)

Labcorp Genetics (formerly Invitae), Labcorp
Classification: Uncertain significance for Multiple congenital anomalies-hypotonia-seizures syndrome 1. Last evaluated: 2022-10-25. Review status: criteria provided, single submitter. Criteria: Invitae Variant Classification Sherloc (09022015). Collection method: clinical testing. Allele origin: germline.
Comment: This sequence change replaces histidine, which is basic and polar, with tyrosine, which is neutral and polar, at codon 188 of the PIGN protein (p.His188Tyr). This variant is present in population databases (rs773629540, gnomAD no frequency). This variant has not been reported in the literature in individuals affected with PIGN-related conditions. ClinVar contains an entry for this variant (Variation ID: 422474). Advanced modeling of protein sequence and biophysical properties (such as structural, functional, and spatial information, amino acid conservation, physicochemical variation, residue mobility, and thermodynamic stability) performed at Invitae indicates that this missense variant is not expected to disrupt PIGN protein function. Algorithms developed to predict the effect of sequence changes on RNA splicing suggest that this variant may disrupt the consensus splice site. In summary, the available evidence is currently insufficient to determine the role of this variant in disease. Therefore, it has been classified as a Variant of Uncertain Significance.

Eurofins Ntd Llc (ga)
Classification: Uncertain significance. Last evaluated: 2016-10-18. Review status: criteria provided, single submitter. Criteria: EGL Classification Definitions 2015. Collection method: clinical testing. Allele origin: germline. Observed: 1 variant allele, 1 heterozygote.

Literature cited by the submitters: PubMed 35179230 (cited by Women's Health and Genetics/Laboratory Corporation of America, LabCorp).